The following is an entry in ClinVar:

NM_001037.5(SCN1B):c.97G>A (p.Gly33Arg)

Gene: SCN1B (sodium voltage-gated channel beta subunit 1; plus strand). Cytogenetic location: 19q13.11.
Variant type: single nucleotide variant.
Coding change: c.97G>A on transcript NM_001037.5 (MANE Select); coding-DNA position 97, G replaced by A.
Protein change: p.Gly33Arg; replaces glycine 33 with arginine.
Molecular consequence: missense variant. On other transcripts: 5 prime UTR variant (1).
Genome position (GRCh38, 1-based): chr19:35,032,584, G>A. VCF-style: chr19-35032584-G-A. GRCh37 (hg19) VCF-style: chr19-35523488-G-A.
Other names: c.-3G>A (NM_001321605.2); c.97G>A, p.Gly33Arg (NM_199037.5); short protein forms G33R.
Identifiers: ClinVar variation 1034608 (VCV001034608.8), dbSNP rs2064221039, ClinGen allele CA405327982.

ClinVar aggregate classification (germline): Uncertain significance (1 of 4 stars; one submission).

Conditions:
Brugada syndrome 5 (BRGDA5). Identifiers: Orphanet 130, Orphanet 871, MedGen C2748541, MONDO:0013015, OMIM 612838.

Submission:

Labcorp Genetics (formerly Invitae), Labcorp
Classification: Uncertain significance for Brugada syndrome 5. Last evaluated: 2023-10-13. Review status: criteria provided, single submitter. Criteria: Invitae Variant Classification Sherloc (09022015). Collection method: clinical testing. Allele origin: germline.
Comment: This sequence change replaces glycine, which is neutral and non-polar, with arginine, which is basic and polar, at codon 33 of the SCN1B protein (p.Gly33Arg). This variant is not present in population databases (gnomAD no frequency). This variant has not been reported in the literature in individuals affected with SCN1B-related conditions. ClinVar contains an entry for this variant (Variation ID: 1034608). An algorithm developed to predict the effect of missense changes on protein structure and function (PolyPhen-2) suggests that this variant is likely to be disruptive. In summary, the available evidence is currently insufficient to determine the role of this variant in disease. Therefore, it has been classified as a Variant of Uncertain Significance.